The following is an entry in ClinVar:

NM_005609.4(PYGM):c.703C>T (p.Arg235Cys)

Gene: PYGM (glycogen phosphorylase, muscle associated; minus strand). Cytogenetic location: 11q13.1.
Variant type: single nucleotide variant.
Coding change: c.703C>T on transcript NM_005609.4 (MANE Select); coding-DNA position 703, C replaced by T.
Protein change: p.Arg235Cys; replaces arginine 235 with cysteine.
Molecular consequence: missense variant.
Genome position (GRCh38, 1-based): chr11:64,755,516, G>A on the plus strand (C>T on the coding strand, the complement: PYGM is on the minus strand). VCF-style: chr11-64755516-G-A. GRCh37 (hg19) VCF-style: chr11-64522988-G-A.
Other names: c.439C>T, p.Arg147Cys (NM_001164716.1); short protein forms R147C, R235C.
Identifiers: ClinVar variation 3393768 (VCV003393768.2).

ClinVar aggregate classification (germline): Uncertain significance. Review status: criteria provided, multiple submitters, no conflicts (2 of 4 stars). 2 submissions from 2 submitters: Uncertain significance (2). Last evaluated 2024-10-31.

Conditions:
Glycogen storage disease, type V (GSD5). Also called: McArdle type glycogen storage disease; MCARDLE DISEASE; MUSCLE GLYCOGEN PHOSPHORYLASE DEFICIENCY; MYOPHOSPHORYLASE DEFICIENCY; PYGM DEFICIENCY. Identifiers: Orphanet 368, MedGen C0017924, MONDO:0009293, OMIM 232600.

gnomAD v4.1: 33 of 1,614,010 alleles (0.002%); highest among the groups gnomAD compares: Non-Finnish European, 0.0022%; no homozygotes.

Submissions (2):

Revvity Omics, Revvity
Classification: Uncertain significance for Glycogen storage disease, type V. Last evaluated: 2024-10-31. Review status: criteria provided, single submitter. Criteria: ACMG Guidelines, 2015. Collection method: clinical testing. Allele origin: germline.

GeneDx
Classification: Uncertain significance. Last evaluated: 2024-07-06. Review status: criteria provided, single submitter. Criteria: GeneDx Variant Classification Process June 2021. Collection method: clinical testing. Allele origin: germline. Affected: yes.
Comment: Not observed at significant frequency in large population cohorts (gnomAD); In silico analysis supports that this missense variant has a deleterious effect on protein structure/function; Has not been previously published as pathogenic or benign to our knowledge